The following is an entry in ClinVar:

NM_000069.3(CACNA1S):c.224C>T (p.Pro75Leu)

Gene: CACNA1S (calcium voltage-gated channel subunit alpha1 S; minus strand). Cytogenetic location: 1q32.1.
Variant type: single nucleotide variant.
Coding change: c.224C>T on transcript NM_000069.3 (MANE Select); coding-DNA position 224, C replaced by T.
Protein change: p.Pro75Leu; replaces proline 75 with leucine.
Molecular consequence: missense variant.
Genome position (GRCh38, 1-based): chr1:201,110,198, G>A on the plus strand (C>T on the coding strand, the complement: CACNA1S is on the minus strand). VCF-style: chr1-201110198-G-A. GRCh37 (hg19) VCF-style: chr1-201079326-G-A.
Other names: short protein forms P75L.
Identifiers: ClinVar variation 651538 (VCV000651538.11), dbSNP rs779684649, ClinGen allele CA078901.

ClinVar aggregate classification (germline): Uncertain significance. Review status: criteria provided, multiple submitters, no conflicts (2 of 4 stars). 8 submissions from 5 submitters: Uncertain significance (8). Last evaluated 2024-09-23.

Conditions:
Congenital myopathy 18. Also called: Myopathy, congenital, due to dihydropyridine receptor defect; DIHYDROPYRIDINE RECEPTOR CONGENITAL MYOPATHY; DHPR CONGENITAL MYOPATHY. Identifiers: MedGen C5830283, MONDO:0859514, OMIM 620246.
Hypokalemic periodic paralysis, type 1. Also called: HypoPP; Hypokalemic Periodic Paralysis Type 1 (AD). Identifiers: Orphanet 681, MedGen C3714580, MONDO:0042979, OMIM 170400.
Malignant hyperthermia, susceptibility to, 5 (MHS5). Also called: CACNA1S-Related Malignant Hyperthermia Susceptibility. Identifiers: Orphanet 423, MedGen C1866077, MONDO:0011163, OMIM 601887.
Thyrotoxic periodic paralysis, susceptibility to, 1 (TTPP1). Identifiers: Orphanet 79102, MedGen C2749982, MONDO:0008570, OMIM 188580.

Allele frequency attached by ClinVar (database versions not stated): TOPMed below 0.00001; ExAC 0.00001; gnomAD 0.00001; gnomAD exomes 0.00001 and 0.00002.
gnomAD v4.1: 27 of 1,614,070 alleles (0.0017%); highest among the groups gnomAD compares: African/African-American, 0.0027%; no homozygotes.

Submissions (8):

All of Us Research Program, National Institutes of Health
Classification: Uncertain significance for Malignant hyperthermia, susceptibility to, 5. Last evaluated: 2024-09-23. Review status: criteria provided, single submitter. Criteria: ACMG Guidelines, 2015. Collection method: clinical testing. Allele origin: germline. Inheritance: Autosomal dominant inheritance. Observed: 2 variant alleles, 2 heterozygotes.
Comment: This missense variant replaces proline with leucine at codon 75 of the CACNA1S protein. Computational prediction suggests that this variant may have deleterious impact on protein structure and function (internally defined REVEL score threshold >= 0.7, PMID: 27666373). To our knowledge, functional studies have not been reported for this variant. This variant has not been reported in individuals affected with CACNA1S-related disorders in the literature. This variant has been identified in 2/251386 chromosomes in the general population by the Genome Aggregation Database (gnomAD). The available evidence is insufficient to determine the role of this variant in disease conclusively. Therefore, this variant is classified as a Variant of Uncertain Significance.

This study involves interpretation of variants in research participants for the purpose of population health screening. Participant phenotype was not available at the time of variant classification. Additional details can be found in publication PMID: 35346344, PMCID: PMC8962531

Blueprint Genetics
Classification: Uncertain significance. Last evaluated: 2024-07-29. Review status: criteria provided, single submitter. Criteria: ACMG Guidelines, 2015. Collection method: clinical testing. Allele origin: germline.

Labcorp Genetics (formerly Invitae), Labcorp
Classification: Uncertain significance for Hypokalemic periodic paralysis, type 1; Malignant hyperthermia, susceptibility to, 5. Last evaluated: 2023-11-29. Review status: criteria provided, single submitter. Criteria: Invitae Variant Classification Sherloc (09022015). Collection method: clinical testing. Allele origin: germline.
Comment: This sequence change replaces proline, which is neutral and non-polar, with leucine, which is neutral and non-polar, at codon 75 of the CACNA1S protein (p.Pro75Leu). This variant is present in population databases (rs779684649, gnomAD 0.002%). This variant has not been reported in the literature in individuals affected with CACNA1S-related conditions. ClinVar contains an entry for this variant (Variation ID: 651538). Advanced modeling of protein sequence and biophysical properties (such as structural, functional, and spatial information, amino acid conservation, physicochemical variation, residue mobility, and thermodynamic stability) performed at Invitae indicates that this missense variant is expected to disrupt CACNA1S protein function with a positive predictive value of 80%. In summary, the available evidence is currently insufficient to determine the role of this variant in disease. Therefore, it has been classified as a Variant of Uncertain Significance.

Genome-Nilou Lab
Classification: Uncertain significance for Malignant hyperthermia, susceptibility to, 5. Last evaluated: 2023-04-11. Review status: criteria provided, single submitter. Criteria: ACMG Guidelines, 2015. Collection method: clinical testing. Allele origin: germline. Affected: no.

Genome-Nilou Lab
Classification: Uncertain significance for Thyrotoxic periodic paralysis, susceptibility to, 1. Last evaluated: 2023-04-11. Review status: criteria provided, single submitter. Criteria: ACMG Guidelines, 2015. Collection method: clinical testing. Allele origin: germline. Affected: no.

Genome-Nilou Lab
Classification: Uncertain significance for Congenital myopathy 18. Last evaluated: 2023-04-11. Review status: criteria provided, single submitter. Criteria: ACMG Guidelines, 2015. Collection method: clinical testing. Allele origin: germline. Affected: no.

Genome-Nilou Lab
Classification: Uncertain significance for Hypokalemic periodic paralysis, type 1. Last evaluated: 2023-04-11. Review status: criteria provided, single submitter. Criteria: ACMG Guidelines, 2015. Collection method: clinical testing. Allele origin: germline. Affected: no.

GeneDx
Classification: Uncertain significance. Last evaluated: 2022-01-13. Review status: criteria provided, single submitter. Criteria: GeneDx Variant Classification Process June 2021. Collection method: clinical testing. Allele origin: germline. Affected: yes.
Comment: Not observed at significant frequency in large population cohorts (gnomAD); In silico analysis supports that this missense variant has a deleterious effect on protein structure/function; Has not been previously published as pathogenic or benign to our knowledge